The following is an entry in ClinVar:

NM_006230.4(POLD2):c.560C>T (p.Ala187Val)

Gene: POLD2 (DNA polymerase delta 2, accessory subunit; minus strand). Cytogenetic location: 7p13.
Variant type: single nucleotide variant.
Coding change: c.560C>T on transcript NM_006230.4 (MANE Select); coding-DNA position 560, C replaced by T.
Protein change: p.Ala187Val; replaces alanine 187 with valine.
Molecular consequence: missense variant.
Genome position (GRCh38, 1-based): chr7:44,117,154, G>A on the plus strand (C>T on the coding strand, the complement: POLD2 is on the minus strand). VCF-style: chr7-44117154-G-A. GRCh37 (hg19) VCF-style: chr7-44156753-G-A.
Other names: c.560C>T, p.Ala187Val (NM_001127218.3, NM_001256879.2); short protein forms A187V.
Identifiers: ClinVar variation 2789950 (VCV002789950.3), dbSNP rs374486246, ClinGen allele CA4238811.

ClinVar aggregate classification (germline): Uncertain significance (1 of 4 stars; one submission).

Allele frequency attached by ClinVar (database versions not stated): gnomAD exomes below 0.00001; TOPMed below 0.00001; ExAC 0.00002; ESP Exome Variant Server 0.00008.
gnomAD v4.1: 5 of 1,613,956 alleles (0.00031%); highest among the groups gnomAD compares: South Asian, 0.0022%; no homozygotes.

Submission:

Labcorp Genetics (formerly Invitae), Labcorp
Classification: Uncertain significance. Last evaluated: 2022-12-21. Review status: criteria provided, single submitter. Criteria: Invitae Variant Classification Sherloc (09022015). Collection method: clinical testing. Allele origin: germline.
Comment: In summary, the available evidence is currently insufficient to determine the role of this variant in disease. Therefore, it has been classified as a Variant of Uncertain Significance. Algorithms developed to predict the effect of missense changes on protein structure and function output the following: SIFT: "Tolerated"; PolyPhen-2: "Not Available"; Align-GVGD: "Class C0". The valine amino acid residue is found in multiple mammalian species, which suggests that this missense change does not adversely affect protein function. This variant has not been reported in the literature in individuals affected with POLD2-related conditions. This variant is present in population databases (rs374486246, gnomAD 0.003%). This sequence change replaces alanine, which is neutral and non-polar, with valine, which is neutral and non-polar, at codon 222 of the POLD2 protein (p.Ala222Val).